The following is an entry in ClinVar:

ClinVar aggregate classification (germline): Pathogenic (1 of 4 stars; one submission).

Submission:

Labcorp Genetics (formerly Invitae), Labcorp
Classification: Pathogenic. Last evaluated: 2025-10-03. Review status: criteria provided, single submitter. Criteria: Invitae Variant Classification Sherloc (09022015). Collection method: clinical testing. Allele origin: germline.
Comment: This sequence change creates a premature translational stop signal (p.Asn774Thrfs*2) in the ATP2C1 gene. It is expected to result in an absent or disrupted protein product. Loss-of-function variants in ATP2C1 are known to be pathogenic (PMID: 10615129, 10767338, 11841554). This variant is not present in population databases (gnomAD no frequency). This variant has not been reported in the literature in individuals affected with ATP2C1-related conditions. For these reasons, this variant has been classified as Pathogenic.

Literature cited by the submitters: PubMed 10615129; PubMed 10767338; PubMed 11841554.

NM_001378687.1(ATP2C1):c.2321del (p.Asn774fs)

Gene: ATP2C1 (ATPase secretory pathway Ca2+ transporting 1; plus strand). Cytogenetic location: 3q22.1.
Variant type: Deletion.
Coding change: c.2321del on transcript NM_001378687.1 (MANE Select); coding-DNA position 2321, one base deleted (A; older notation c.2321delA).
Protein change: p.Asn774fs; shifts the reading frame from asparagine 774.
Molecular consequence: frameshift variant.
Genome position (GRCh38, 1-based): chr3:130,997,683, A deleted; the last of 5 consecutive A bases (chr3:130,997,679-130,997,683); deleting any one gives the same sequence. VCF-style (leftmost placement, unchanged base first): chr3-130997678-TA-T. GRCh37 (hg19) VCF-style: chr3-130716522-TA-T.
Other names: c.2321del, p.Asn774fs (NM_001001485.3, NM_001001486.2, NM_001001487.2 and 5 more transcripts); c.2423del, p.Asn808fs (NM_001199180.2, NM_001199181.3, NM_001378511.1); c.2306del, p.Asn769fs (NM_001199182.2); c.2273del, p.Asn758fs (NM_001199183.2, NM_001199184.3, NM_001378514.1); short protein forms N758fs, N808fs, N769fs, N774fs.
Identifiers: ClinVar variation 4728394 (VCV004728394.1).
Genomic context (GRCh38, chr3:130,997,678, plus strand): 5'-ACCAGTGGATAAAGATGTCATTCGTAAACCTCCTCGCAACTGGAAAGACAGCATTTTGAC[TA>T]AAAACTTGATACTTAAAATACTTGTTTCATCAATAATCATTGTTTGTGGGACTTTGTTTG-3'